The following is an entry in ClinVar:

NM_012330.4(KAT6B):c.3210AGA[2] (p.Glu1076del)

Gene: KAT6B (lysine acetyltransferase 6B; plus strand). Cytogenetic location: 10q22.2.
Variant type: Microsatellite.
Coding change: c.3210AGA[2] on transcript NM_012330.4 (MANE Select); two copies in a row of the 3-base unit AGA starting at c.3210; the reference has three copies in a row; one copy, 3 bases deleted; also written c.3216_3218del.
Protein change: p.Glu1076del; deletes glutamic acid 1076.
Molecular consequence: inframe deletion.
Genome position (GRCh38, 1-based): chr10:75,022,075-75,022,077, AGA deleted; deleting any 3 consecutive bases within chr10:75,022,067-75,022,077 gives the same sequence; the position shown is the placement nearest the transcript's 3' end. VCF-style (leftmost placement, unchanged base first): chr10-75022066-TGAA-T. GRCh37 (hg19) VCF-style: chr10-76781824-TGAA-T.
Other names: c.3216_3218del (NM_012330.4); c.2661AGA[2], p.Glu893del (NM_001256468.2, NM_001370138.1); c.2334AGA[2], p.Glu784del (NM_001256469.2, NM_001370139.1, NM_001370140.1 and 2 more transcripts); c.2172AGA[2], p.Glu730del (NM_001370132.1); c.1521AGA[2], p.Glu513del (NM_001370133.1); c.1125AGA[2], p.Glu381del (NM_001370134.1); c.867AGA[2], p.Glu295del (NM_001370135.1); c.3210AGA[2], p.Glu1076del (NM_001370136.1, NM_001370137.1); and 1 more; short protein forms E295del, E513del, E730del, E1076del, E721del, E893del, E381del, E784del.
Identifiers: ClinVar variation 1448596 (VCV001448596.10), dbSNP rs765976563, ClinGen allele CA5564746.

ClinVar aggregate classification (germline): Conflicting classifications of pathogenicity. Review status: criteria provided, conflicting classifications (1 of 4 stars). 3 submissions from 3 submitters: Uncertain significance (1); Likely benign (2). Last evaluated 2026-07-01.

Conditions:
Genitopatellar syndrome (GTPTS). Also called: Genitopatellar syndrome (GPS); ABSENT PATELLAE, SCROTAL HYPOPLASIA, RENAL ANOMALIES, FACIAL DYSMORPHISM, AND MENTAL RETARDATION. Identifiers: Orphanet 85201, MedGen C1853566, MONDO:0011640, OMIM 606170.
Blepharophimosis - intellectual disability syndrome, SBBYS type (SBBYSS). Also called: Say-Barber-Biesecker variant of Ohdo syndrome (SBBYSS); Say-Barber-Biesecker Variant of Ohdo Syndrome; Say-Barber-Biesecker-Young-Simpson variant of Ohdo Syndrome; Ohdo syndrome, SBBYS variant; SBBYSS syndrome; Say-Barber-Biesecker-Young-Simpson syndrome. Identifiers: Orphanet 3047, MedGen C1863557, MONDO:0011365, OMIM 603736.

Submissions (3):

CeGaT Center for Human Genetics Tuebingen
Classification: Likely benign. Last evaluated: 2026-07-01. Review status: criteria provided, single submitter. Criteria: CeGaT Center For Human Genetics Tuebingen Variant Classification Criteria Version 2. Collection method: clinical testing. Allele origin: germline. Affected: yes. Observed: 1 variant allele.
Comment: KAT6B: BP3

Labcorp Genetics (formerly Invitae), Labcorp
Classification: Likely benign for Genitopatellar syndrome. Last evaluated: 2024-05-06. Review status: criteria provided, single submitter. Criteria: Invitae Variant Classification Sherloc (09022015). Collection method: clinical testing. Allele origin: germline.

Fulgent Genetics
Classification: Uncertain significance for Blepharophimosis - intellectual disability syndrome, SBBYS type; Genitopatellar syndrome. Last evaluated: 2021-12-25. Review status: criteria provided, single submitter. Criteria: ACMG Guidelines, 2015. Collection method: clinical testing. Allele origin: unknown.